The following is an entry in ClinVar:

NM_139318.5(KCNH5):c.665dup (p.Leu222fs)

Gene: KCNH5 (potassium voltage-gated channel subfamily H member 5; minus strand). Cytogenetic location: 14q23.2.
Variant type: Duplication.
Coding change: c.665dup on transcript NM_139318.5 (MANE Select); coding-DNA position 665, one base duplicated (T; older notation c.665dupT).
Protein change: p.Leu222fs; shifts the reading frame from leucine 222.
Molecular consequence: frameshift variant.
Genome position (GRCh38, 1-based): chr14:62,981,149, A duplicated on the plus strand (T on the coding strand, the reverse complement: KCNH5 is on the minus strand); the first of 4 consecutive A bases (chr14:62,981,149-62,981,152); duplicating any one gives the same sequence. VCF-style (leftmost placement, unchanged base first): chr14-62981148-T-TA. GRCh37 (hg19) VCF-style: chr14-63447866-T-TA.
Other names: c.665dup, p.Leu222fs (NM_172375.3); short protein forms L222fs.
Identifiers: ClinVar variation 1495078 (VCV001495078.7), dbSNP rs2139568568, ClinGen allele CA2573150084.

ClinVar aggregate classification (germline): Uncertain significance (1 of 4 stars; one submission).

Conditions:
Early-infantile DEE. Also called: Early infantile epileptic encephalopathy; Early infantile epileptic encephalopathy with suppression bursts; Ohtahara syndrome. Identifiers: Orphanet 1934, MedGen C0393706, MONDO:0800491.

Submission:

Labcorp Genetics (formerly Invitae), Labcorp
Classification: Uncertain significance for Early-infantile DEE. Last evaluated: 2024-11-18. Review status: criteria provided, single submitter. Criteria: Invitae Variant Classification Sherloc (09022015). Collection method: clinical testing. Allele origin: germline.
Comment: This sequence change creates a premature translational stop signal (p.Leu222Phefs*14) in the KCNH5 gene. It is expected to result in an absent or disrupted protein product. However, the current clinical and genetic evidence is not sufficient to establish whether loss-of-function variants in KCNH5 cause disease. This variant is not present in population databases (gnomAD no frequency). This variant has not been reported in the literature in individuals affected with KCNH5-related conditions. ClinVar contains an entry for this variant (Variation ID: 1495078). In summary, the available evidence is currently insufficient to determine the role of this variant in disease. Therefore, it has been classified as a Variant of Uncertain Significance.